The following is an entry in ClinVar:

ClinVar aggregate classification (germline): Conflicting classifications of pathogenicity. Review status: criteria provided, conflicting classifications (1 of 4 stars). 4 submissions from 4 submitters: Uncertain significance (3); Likely benign (1). Last evaluated 2025-05-19.

Conditions:
Renal tubular dysgenesis of genetic origin. Also called: PRIMITIVE RENAL TUBULE SYNDROME. Identifiers: Orphanet 97369, MedGen C5681536, MONDO:0009970, OMIM 267430.
Renal tubular dysgenesis. Also called: Renotubular dysgenesis. Identifiers: Orphanet 3033, MedGen C0266313, MONDO:0017609, HP:0008660.

Allele frequency attached by ClinVar (database versions not stated): 1000 Genomes Project 0.00020; ExAC 0.00029; gnomAD exomes 0.00030 and 0.00069; 1000 Genomes Project 30x 0.00031; gnomAD 0.00037 and 0.00040; TOPMed 0.00040; ESP Exome Variant Server 0.00069.
gnomAD v4.1: 1,044 of 1,614,118 alleles (0.065%); highest among the groups gnomAD compares: Non-Finnish European, 0.085%; 1 homozygote.

Submissions (4):

Labcorp Genetics (formerly Invitae), Labcorp
Classification: Likely benign. Last evaluated: 2025-05-19. Review status: criteria provided, single submitter. Criteria: Invitae Variant Classification Sherloc (09022015). Collection method: clinical testing. Allele origin: germline.

Fulgent Genetics
Classification: Uncertain significance for Renal tubular dysgenesis of genetic origin. Last evaluated: 2023-12-20. Review status: criteria provided, single submitter. Criteria: ACMG Guidelines, 2015. Collection method: clinical testing. Allele origin: germline.

GeneDx
Classification: Uncertain significance. Last evaluated: 2021-01-18. Review status: criteria provided, single submitter. Criteria: GeneDx Variant Classification Process June 2021. Collection method: clinical testing. Allele origin: germline. Affected: yes.
Comment: In silico analysis supports that this missense variant has a deleterious effect on protein structure/function; This variant is associated with the following publications: (PMID: 31931433, 26489027, 7744780, 24631685)

Illumina Laboratory Services, Illumina
Classification: Uncertain significance for Renal tubular dysgenesis of genetic origin. Last evaluated: 2017-04-27. Review status: criteria provided, single submitter. Criteria: ICSL Variant Classification Criteria 13 December 2019. Collection method: clinical testing. Allele origin: germline.
Comment: This variant was observed as part of a predisposition screen in an ostensibly healthy population. A literature search was performed for the gene, cDNA change, and amino acid change (where applicable). Publications were found based on this search. However, the evidence from the literature, in combination with allele frequency data from public databases where available, was not sufficient to rule this variant in or out of causing disease. Therefore, this variant is classified as a variant of unknown significance.

Literature cited by the submitters: PubMed 7744780 (cited by Illumina Laboratory Services, Illumina).

NC_000001.11:g.230710724G>A

Gene: AGT (angiotensinogen; minus strand). Cytogenetic location: 1q42.2.
Variant type: single nucleotide variant.
Genome position: GRCh38 VCF-style: chr1-230710724-G-A. GRCh37 (hg19) VCF-style: chr1-230846470-G-A.
Other names: NM_000029.3:c.127C>T; c.100C>T (NM_001384479.1).
Identifiers: ClinVar variation 876868 (VCV000876868.11), dbSNP rs41271499, ClinGen allele CA1448381.
Genomic context (GRCh38, chr1:230,710,724, plus strand): 5'-TGGGCTTCCCGGCATTGGCCTTTGCCAGCTGCTCACAGGTACTCTCATTGTGGATGACGA[G>A]GTGGAAGGGGTGTATGTACACCCGGTCACCTGCAGCCAGGCCAGCCCAGGCCAGGAGGCA-3'